The following is an entry in ClinVar:

ClinVar aggregate classification (germline): Uncertain significance (1 of 4 stars; one submission).

Conditions:
Generalized epilepsy-paroxysmal dyskinesia syndrome (PNKD3). Also called: Generalized epilepsy and paroxysmal dyskinesia; Paroxysmal nonkinesigenic dyskinesia, 3, with or without generalized epilepsy. Identifiers: Orphanet 79137, MedGen C5574945, MONDO:0012276, OMIM 609446.

Submission:

Labcorp Genetics (formerly Invitae), Labcorp
Classification: Uncertain significance for Generalized epilepsy-paroxysmal dyskinesia syndrome. Last evaluated: 2020-08-25. Review status: criteria provided, single submitter. Criteria: Invitae Variant Classification Sherloc (09022015). Collection method: clinical testing. Allele origin: germline.
Comment: This variant results in a copy number gain of the genomic region encompassing exon 1 of the KCNMA1 gene, which includes the initiator codon. The 5' end of this event is unknown as it extends beyond the assayed region for this gene and therefore may encompass additional genes. The 3' boundary is likely confined to intron 1 of the KCNMA1 gene. As the precise location of this event is unknown, it may be in tandem or it may be located elsewhere in the genome. This variant has not been reported in the literature in individuals with KCNMA1-related conditions. In summary, the available evidence is currently insufficient to determine the role of this variant in disease. Therefore, it has been classified as a Variant of Uncertain Significance.

NC_000010.10:g.(?_79396125)_(79397420_?)dup

Gene: KCNMA1 (potassium calcium-activated channel subfamily M alpha 1; minus strand). Cytogenetic location: 10q22.3.
Variant type: Duplication.
Identifiers: ClinVar variation 1062516 (VCV001062516.1).